The following is an entry in ClinVar:

NM_001377299.1(NDUFS2):c.1054C>G (p.Pro352Ala)

Gene: NDUFS2 (NADH:ubiquinone oxidoreductase core subunit S2; plus strand). Cytogenetic location: 1q23.3.
Variant type: single nucleotide variant.
Coding change: c.1054C>G on transcript NM_001377299.1 (MANE Select); coding-DNA position 1054, C replaced by G.
Protein change: p.Pro352Ala; replaces proline 352 with alanine.
Molecular consequence: missense variant.
Genome position (GRCh38, 1-based): chr1:161,212,418, C>G. VCF-style: chr1-161212418-C-G. GRCh37 (hg19) VCF-style: chr1-161182208-C-G.
Other names: c.1054C>G, p.Pro352Ala (NM_001166159.2, NM_001377298.1, NM_001377300.1 and 3 more transcripts); short protein forms P352A.
Identifiers: ClinVar variation 129697 (VCV000129697.26), dbSNP rs11576415, ClinGen allele CA153865.
Genomic context (GRCh38, chr1:161,212,418, plus strand): 5'-TGCCGGGTGGAGGAGATGCGCCAGTCCCTGAGAATTATCGCACAGTGTCTAAACAAGATG[C>G]CTCCTGGGGAGATCAAGGTTGATGATGCCAAAGTGTCTCCACCTAAGCGAGCAGAGATGA-3'
Protein context (NP_001364228.1, residues 342-362): RIIAQCLNKM[Pro352Ala]PGEIKVDDAK

ClinVar aggregate classification (germline): Benign/Likely benign. Review status: criteria provided, multiple submitters, no conflicts (2 of 4 stars). 7 submissions from 7 submitters: Benign (2); Likely benign (3). 2 of the submissions do not count toward it. Last evaluated 2026-02-02.

Conditions:
Mitochondrial complex I deficiency, nuclear type 6. Also called: Mitochondrial complex 1 deficiency, nuclear type 6. Identifiers: MedGen C4748759, MONDO:0032611, OMIM 618228.
Mitochondrial complex I deficiency, nuclear type 1. Also called: NADH-COENZYME Q REDUCTASE DEFICIENCY; MITOCHONDRIAL NADH DEHYDROGENASE COMPONENT OF COMPLEX I, DEFICIENCY OF. Identifiers: MedGen C6022305, MONDO:0100224, OMIM 252010.

Allele frequency attached by ClinVar (database versions not stated): 1000 Genomes Project 30x 0.04763; 1000 Genomes Project 0.04932; TOPMed 0.05942; gnomAD 0.06461 and 0.06514; ESP Exome Variant Server 0.06866; gnomAD exomes 0.07565 and 0.09138; ExAC 0.07844.

Submissions (7):

Labcorp Genetics (formerly Invitae), Labcorp
Classification: Benign. Last evaluated: 2026-02-02. Review status: criteria provided, single submitter. Criteria: Invitae Variant Classification Sherloc (09022015). Collection method: clinical testing. Allele origin: germline.

Genome-Nilou Lab
Classification: Likely benign for Mitochondrial complex I deficiency, nuclear type 6. Last evaluated: 2023-04-11. Review status: criteria provided, single submitter. Criteria: ACMG Guidelines, 2015. Collection method: clinical testing. Allele origin: germline. Affected: no.

Illumina Laboratory Services, Illumina
Classification: Likely benign for Mitochondrial complex I deficiency, nuclear type 1. Last evaluated: 2018-01-13. Review status: criteria provided, single submitter. Criteria: ICSL Variant Classification Criteria 13 December 2019. Collection method: clinical testing. Allele origin: germline.
Comment: This variant was observed in the ICSL laboratory as part of a predisposition screen in an ostensibly healthy population. It had not been previously curated by ICSL or reported in the Human Gene Mutation Database (HGMD: prior to June 1st, 2018), and was therefore a candidate for classification through an automated scoring system. Utilizing variant allele frequency, disease prevalence and penetrance estimates, and inheritance mode, an automated score was calculated to assess if this variant is too frequent to cause the disease. Based on the score and internal cut-off values, a variant classified as likely benign is not then subjected to further curation. The score for this variant resulted in a classification of likely benign for this disease.

GeneDx
Classification: Benign. Last evaluated: 2015-03-03. Review status: criteria provided, single submitter. Criteria: GeneDx Variant Classification Process June 2021. Collection method: clinical testing. Allele origin: germline. Affected: yes.

Breakthrough Genomics
Classification: Likely benign. Review status: criteria provided, single submitter. Criteria: ACMG Guidelines, 2015. Collection method: not provided. Allele origin: germline. Inheritance: Autosomal recessive inheritance. Affected: yes.

Mayo Clinic Laboratories, Mayo Clinic
Classification: Benign. Last evaluated: 2016-02-22. Review status: no assertion criteria provided. Collection method: clinical testing. Allele origin: unknown. Not counted in ClinVar's aggregate classification.

Genetic Services Laboratory, University of Chicago
Classification: Likely benign for AllHighlyPenetrant. Review status: no assertion criteria provided. Collection method: clinical testing. Allele origin: germline. Inheritance: Autosomal recessive inheritance. Not counted in ClinVar's aggregate classification.
Comment: Likely benign based on allele frequency in 1000 Genomes Project or ESP global frequency and its presence in a patient with a rare or unrelated disease phenotype. NOT Sanger confirmed.